The following is an entry in ClinVar:

NM_001114753.3(ENG):c.1428+5C>A

Genes: ENG (endoglin; minus strand), LOC102723566 (uncharacterized LOC102723566; plus strand). Cytogenetic location: 9q34.11.
Variant type: single nucleotide variant.
Coding change: c.1428+5C>A on transcript NM_001114753.3 (MANE Select); 5 bases into the intron after coding-DNA position 1428, C replaced by A.
Molecular consequence: intron variant. On other transcripts: non-coding transcript variant (1).
Genome position (GRCh38, 1-based): chr9:127,818,711, G>T on the plus strand (C>A on the coding strand, the complement: ENG is on the minus strand). VCF-style: chr9-127818711-G-T. GRCh37 (hg19) VCF-style: chr9-130580990-G-T.
Other names: c.1428+5C>A (NM_000118.4); c.882+5C>A (NM_001278138.2).
Identifiers: ClinVar variation 576021 (VCV000576021.10), dbSNP rs1564452925, ClinGen allele CA467226536.
Genomic context (GRCh38, chr9:127,818,711, plus strand): 5'-GAAGAAAGGCGGAGAGGAAGTTCCAGGAGCTGGGAGGCCCGAGGGGTGACAGGCATGCCA[G>T]GTACCTGCACAAAGCTCTGCTGCCCCGGCTCGATGGTGTTGGAGGCCTGGAGGAAGTGTG-3'

ClinVar aggregate classification (germline): Uncertain significance (1 of 4 stars; one submission).

Conditions:
Hereditary hemorrhagic telangiectasia (HHT). Also called: Osler hemorrhagic telangiectasia syndrome; ORW DISEASE; Osler Weber Rendu syndrome; OSLER-RENDU-WEBER DISEASE. Identifiers: Orphanet 774, MedGen C0039445, MONDO:0019180. Disease mechanism: loss of function.

Allele frequency attached by ClinVar (database versions not stated): gnomAD exomes 0.00001.
gnomAD v4.1: 9 of 1,613,880 alleles (0.00056%); highest among the groups gnomAD compares: East Asian, 0.02%; no homozygotes.

Submission:

Labcorp Genetics (formerly Invitae), Labcorp
Classification: Uncertain significance for Hereditary hemorrhagic telangiectasia. Last evaluated: 2025-07-07. Review status: criteria provided, single submitter. Criteria: Invitae Variant Classification Sherloc (09022015). Collection method: clinical testing. Allele origin: germline.
Comment: This sequence change falls in intron 11 of the ENG gene. It does not directly change the encoded amino acid sequence of the ENG protein. It affects a nucleotide within the consensus splice site. This variant is not present in population databases (gnomAD no frequency). This variant has not been reported in the literature in individuals affected with ENG-related conditions. ClinVar contains an entry for this variant (Variation ID: 576021). Variants that disrupt the consensus splice site are a relatively common cause of aberrant splicing (PMID: 17576681, 9536098). Algorithms developed to predict the effect of sequence changes on RNA splicing suggest that this variant is not likely to affect RNA splicing. In summary, the available evidence is currently insufficient to determine the role of this variant in disease. Therefore, it has been classified as a Variant of Uncertain Significance.

Literature cited by the submitters: PubMed 17576681; PubMed 9536098.